The following is an entry in ClinVar:

ClinVar aggregate classification (germline): Uncertain significance (1 of 4 stars; one submission).

Allele frequency attached by ClinVar (database versions not stated): gnomAD exomes below 0.00001; TOPMed below 0.00001.

Submission:

GeneDx
Classification: Uncertain significance. Last evaluated: 2022-05-27. Review status: criteria provided, single submitter. Criteria: GeneDx Variant Classification Process June 2021. Collection method: clinical testing. Allele origin: germline. Affected: yes.
Comment: Not observed at significant frequency in large population cohorts (gnomAD); In silico analysis supports that this missense variant does not alter protein structure/function; Has not been previously published as pathogenic or benign to our knowledge; This variant is associated with the following publications: (PMID: 10939567)

NM_170707.4(LMNA):c.213C>A (p.Ser71Arg)

Gene: LMNA (lamin A/C; plus strand). Cytogenetic location: 1q22.
Variant type: single nucleotide variant.
Coding change: c.213C>A on transcript NM_170707.4 (MANE Select); coding-DNA position 213, C replaced by A.
Protein change: p.Ser71Arg; replaces serine 71 with arginine.
Molecular consequence: missense variant.
Genome position (GRCh38, 1-based): chr1:156,115,131, C>A. VCF-style: chr1-156115131-C-A. GRCh37 (hg19) VCF-style: chr1-156084922-C-A.
Other names: c.213C>A, p.Ser71Arg (NM_001282625.2, NM_001282626.2, NM_001406983.1 and 6 more transcripts); c.-211C>A (NM_001406986.1); c.-189C>A (NM_001406990.1, NM_001406995.1, NM_001407002.1); c.-452C>A (NM_001406994.1, NM_001407000.1); c.-632C>A (NM_001406999.1); c.-295C>A (NM_001407001.1); short protein forms S71R.
Identifiers: ClinVar variation 1800826 (VCV001800826.1), dbSNP rs1649727111, ClinGen allele CA342808272.